The following is an entry in ClinVar:

ClinVar aggregate classification (germline): Benign (0 of 4 stars; one submission).

Conditions:
TNS1-related disorder. Also called: TNS1-related condition.

Submission:

PreventionGenetics, part of Exact Sciences
Classification: Benign for TNS1-related condition. Last evaluated: 2019-02-21. Review status: no assertion criteria provided. Collection method: clinical testing. Allele origin: germline.
Comment: This variant is classified as benign based on ACMG/AMP sequence variant interpretation guidelines (Richards et al. 2015 PMID: 25741868, with internal and published modifications).

NM_001387777.1(TNS1):c.2327AGC[8] (p.Gln784del)

Gene: TNS1 (tensin 1; minus strand). Cytogenetic location: 2q35.
Variant type: Microsatellite.
Coding change: c.2327AGC[8] on transcript NM_001387777.1 (MANE Select); eight copies in a row of the 3-base unit AGC starting at c.2327; the reference has nine copies in a row; one copy, 3 bases deleted.
Protein change: p.Gln784del; deletes glutamine 784.
Genome position (GRCh38, 1-based): chr2:217,848,164-217,848,166, GCT deleted on the plus strand (AGC on the coding strand, the reverse complement: TNS1 is on the minus strand); deleting any 3 consecutive bases within chr2:217,848,164-217,848,192 gives the same sequence; the position shown is the placement nearest the transcript's 3' end. VCF-style (leftmost placement, unchanged base first): chr2-217848163-GGCT-G. GRCh37 (hg19) VCF-style: chr2-218712886-GGCT-G.
Other names: c.1952AGC[8], p.Gln659del (NM_001308022.2, NM_001308023.2, NM_022648.7); short protein forms Q659del, Q784del.
Identifiers: ClinVar variation 3060098 (VCV003060098.2), dbSNP rs3839056, ClinGen allele CA2100256.